The following is an entry in ClinVar:

ClinVar aggregate classification (germline): Uncertain significance (1 of 4 stars; one submission).

gnomAD v4.1: 3 of 1,610,660 alleles (0.00019%); highest among the groups gnomAD compares: Non-Finnish European, 0.00025%; no homozygotes.

Submission:

Labcorp Genetics (formerly Invitae), Labcorp
Classification: Uncertain significance. Last evaluated: 2025-04-11. Review status: criteria provided, single submitter. Criteria: Invitae Variant Classification Sherloc (09022015). Collection method: clinical testing. Allele origin: germline.
Comment: This sequence change replaces valine, which is neutral and non-polar, with phenylalanine, which is neutral and non-polar, at codon 435 of the SKIV2L protein (p.Val435Phe). This variant is not present in population databases (gnomAD no frequency). This variant has not been reported in the literature in individuals affected with SKIV2L-related conditions. An algorithm developed to predict the effect of missense changes on protein structure and function (PolyPhen-2) suggests that this variant is likely to be disruptive. In summary, the available evidence is currently insufficient to determine the role of this variant in disease. Therefore, it has been classified as a Variant of Uncertain Significance.

NM_006929.5(SKIC2):c.1303G>T (p.Val435Phe)

Gene: SKIC2 (SKI2 subunit of superkiller complex; plus strand). Cytogenetic location: 6p21.33.
Variant type: single nucleotide variant.
Coding change: c.1303G>T on transcript NM_006929.5 (MANE Select); coding-DNA position 1303, G replaced by T.
Protein change: p.Val435Phe; replaces valine 435 with phenylalanine.
Molecular consequence: missense variant.
Genome position (GRCh38, 1-based): chr6:31,962,991, G>T. VCF-style: chr6-31962991-G-T. GRCh37 (hg19) VCF-style: chr6-31930768-G-T.
Other names: short protein forms V435F.
Identifiers: ClinVar variation 4806135 (VCV004806135.1).